The following is an entry in ClinVar:

NM_004380.3(CREBBP):c.4830G>T (p.Met1610Ile)

Gene: CREBBP (CREB binding lysine acetyltransferase; minus strand). Cytogenetic location: 16p13.3.
Variant type: single nucleotide variant.
Coding change: c.4830G>T on transcript NM_004380.3 (MANE Select); coding-DNA position 4830, G replaced by T.
Protein change: p.Met1610Ile; replaces methionine 1610 with isoleucine.
Molecular consequence: missense variant.
Genome position (GRCh38, 1-based): chr16:3,731,836, C>A on the plus strand (G>T on the coding strand, the complement: CREBBP is on the minus strand). VCF-style: chr16-3731836-C-A. GRCh37 (hg19) VCF-style: chr16-3781837-C-A.
Other names: c.4716G>T, p.Met1572Ile (NM_001079846.1); short protein forms M1572I, M1610I.
Identifiers: ClinVar variation 4082125 (VCV004082125.1).

ClinVar aggregate classification (germline): Benign (1 of 4 stars; one submission).

Conditions:
Rubinstein-Taybi syndrome due to CREBBP mutations (RSTS1). Also called: CREBBP-Related Rubinstein-Taybi Syndrome; RUBINSTEIN-TAYBI SYNDROME 1, INCOMPLETE; BROAD THUMBS AND GREAT TOES, CHARACTERISTIC FACIES, AND IMPAIRED INTELLECTUAL DEVELOPMENT; Rubinstein-Taybi syndrome 1; BROAD THUMB-HALLUX SYNDROME; RUBINSTEIN SYNDROME. Identifiers: Orphanet 353277, Orphanet 783, MedGen C4551859, MONDO:0008393, OMIM 180849.

Submission:

Medical Genetics Laboratory, Niloo Shiraz Laboratory
Classification: Benign for Rubinstein-Taybi syndrome due to CREBBP mutations. Review status: criteria provided, single submitter. Criteria: ACMG Guidelines, 2015. Collection method: clinical testing. Allele origin: germline. Inheritance: Autosomal dominant inheritance. Affected: no.
Comment: This variant was observed in multiple healthy individuals in our Niloo-exome database and is absent from reported gnomAD population database. Considering its allele frequency in our database , age of onset, and in silico predictions, we classified this variant as benign